The following is an entry in ClinVar:

NM_004168.4(SDHA):c.150+1G>T

Gene: SDHA (succinate dehydrogenase complex flavoprotein subunit A; plus strand). Cytogenetic location: 5p15.33.
Variant type: single nucleotide variant.
Coding change: c.150+1G>T on transcript NM_004168.4 (MANE Select); the canonical splice donor site of the intron after coding-DNA position 150, G replaced by T.
Molecular consequence: splice donor variant.
Genome position (GRCh38, 1-based): chr5:223,569, G>T. VCF-style: chr5-223569-G-T. GRCh37 (hg19) VCF-style: chr5-223684-G-T.
Other names: c.150+1G>T (NM_001330758.2, NM_001294332.2).
Identifiers: ClinVar variation 4071449 (VCV004071449.1).

ClinVar aggregate classification (germline): Likely pathogenic (1 of 4 stars; one submission).

Conditions:
Pheochromocytoma/paraganglioma syndrome 5. Also called: Paragangliomas 5; SDHA-Related Hereditary Paraganglioma-Pheochromocytoma Syndrome. Identifiers: Orphanet 29072, MedGen C3279992, MONDO:0013602, OMIM 614165.

Submission:

Myriad Genetics, Inc.
Classification: Likely pathogenic for Pheochromocytoma/paraganglioma syndrome 5. Last evaluated: 2025-04-30. Review status: criteria provided, single submitter. Criteria: Myriad Autosomal Dominant, Autosomal Recessive and X-Linked Classification Criteria (2023). Collection method: clinical testing. Allele origin: unknown.
Comment: This variant is considered likely pathogenic. This variant occurs within a consensus splice junction and is predicted to result in abnormal mRNA splicing of either an out-of-frame exon or an in-frame exon necessary for protein stability and/or normal function.